The following is an entry in ClinVar:

ClinVar aggregate classification (germline): Uncertain significance (1 of 4 stars; one submission).

Allele frequency attached by ClinVar (database versions not stated): TOPMed 0.00001.
gnomAD v4.1: 2 of 1,613,800 alleles (0.00012%); highest among the groups gnomAD compares: East Asian, 0.0022%; no homozygotes.

Submission:

Labcorp Genetics (formerly Invitae), Labcorp
Classification: Uncertain significance. Last evaluated: 2021-11-10. Review status: criteria provided, single submitter. Criteria: Invitae Variant Classification Sherloc (09022015). Collection method: clinical testing. Allele origin: germline.
Comment: In summary, the available evidence is currently insufficient to determine the role of this variant in disease. Therefore, it has been classified as a Variant of Uncertain Significance. Algorithms developed to predict the effect of missense changes on protein structure and function (SIFT, PolyPhen-2, Align-GVGD) all suggest that this variant is likely to be tolerated. This variant has not been reported in the literature in individuals affected with KIAA1549-related conditions. This variant is present in population databases (rs752478743, gnomAD 0.006%). This sequence change replaces valine, which is neutral and non-polar, with leucine, which is neutral and non-polar, at codon 822 of the KIAA1549 protein (p.Val822Leu).

NM_001164665.2(KIAA1549):c.2464G>T (p.Val822Leu)

Gene: KIAA1549 (KIAA1549; minus strand). Cytogenetic location: 7q34.
Variant type: single nucleotide variant.
Coding change: c.2464G>T on transcript NM_001164665.2 (MANE Select); coding-DNA position 2464, G replaced by T.
Protein change: p.Val822Leu; replaces valine 822 with leucine.
Molecular consequence: missense variant.
Genome position (GRCh38, 1-based): chr7:138,917,162, C>A on the plus strand (G>T on the coding strand, the complement: KIAA1549 is on the minus strand). VCF-style: chr7-138917162-C-A. GRCh37 (hg19) VCF-style: chr7-138601908-C-A.
Other names: c.2464G>T, p.Val822Leu (NM_020910.3); short protein forms V822L.
Identifiers: ClinVar variation 1371506 (VCV001371506.4), dbSNP rs752478743, ClinGen allele CA4506506.